The following is an entry in ClinVar:

NM_000352.6(ABCC8):c.3988+2T>C

Gene: ABCC8 (ATP binding cassette subfamily C member 8; minus strand). Cytogenetic location: 11p15.1.
Variant type: single nucleotide variant.
Coding change: c.3988+2T>C on transcript NM_000352.6 (MANE Select); the canonical splice donor site of the intron after coding-DNA position 3988, T replaced by C.
Molecular consequence: splice donor variant. On other transcripts: non-coding transcript variant (1).
Genome position (GRCh38, 1-based): chr11:17,397,191, A>G on the plus strand (T>C on the coding strand, the complement: ABCC8 is on the minus strand). VCF-style: chr11-17397191-A-G. GRCh37 (hg19) VCF-style: chr11-17418738-A-G.
Other names: c.3988+2T>C (NM_000352.4, NM_001351296.2); c.3985+2T>C (NM_001351297.2); c.4054+2T>C (NM_001351295.2); c.3991+2T>C (NM_001287174.3).
Identifiers: ClinVar variation 1457730 (VCV001457730.13), dbSNP rs745349258, ClinGen allele CA5902627.
Genomic context (GRCh38, chr11:17,397,191, plus strand): 5'-GCCCCCAACCCAGACACACTCCTCCTTGGACTCTTCCCCACCCCTCTCCCTGAGCCTCTC[A>G]CCCAGGAGCCCCTCGTAGCTCTCTGCCTCGGTTTTCAGGAGCCCATGGATGCGCTTCACA-3'

ClinVar aggregate classification (germline): Pathogenic/Likely pathogenic. Review status: criteria provided, multiple submitters, no conflicts (2 of 4 stars). 6 submissions from 6 submitters: Pathogenic (5); Likely pathogenic (1). Last evaluated 2026-01-24.

Conditions:
Hereditary hyperinsulinism.
Diabetes mellitus, permanent neonatal 3. Also called: ABCC8-Related Permanent Neonatal Diabetes Mellitus. Identifiers: MedGen C5394303, MONDO:0030088, OMIM 618857.
Hyperinsulinemic hypoglycemia, familial, 1 (HHF1). Also called: Persistent Hyperinsulinemia Hypoglycemia of Infancy; Persistent hyperinsulinemic hypoglycemia of infancy; HYPERINSULINISM, FAMILIAL, WITH PANCREATIC NESIDIOBLASTOSIS; HYPOGLYCEMIA, HYPERINSULINEMIC, OF INFANCY; NESIDIOBLASTOSIS OF PANCREAS. Identifiers: Orphanet 276575, Orphanet 276598, MedGen C2931832, MONDO:0009734, OMIM 256450.
Leucine-induced hypoglycemia (LIH). Also called: LEUCINE-SENSITIVE HYPOGLYCEMIA OF INFANCY. Identifiers: MedGen C0271714, MONDO:0009415, OMIM 240800.
Type 2 diabetes mellitus. Also called: Type II diabetes mellitus. Identifiers: MedGen C0011860, MeSH D003924, MONDO:0005148, OMIM 125853, HP:0005978.
Diabetes mellitus, transient neonatal, 2 (TNDM2). Identifiers: Orphanet 99886, MedGen C1835887, MONDO:0012480, OMIM 610374. Disease mechanism: loss of function.
ABCC8-related disorder.

Allele frequency attached by ClinVar (database versions not stated): gnomAD exomes 0.00001; ExAC 0.00002.
gnomAD v4.1: 8 of 1,613,298 alleles (0.0005%); highest among the groups gnomAD compares: Non-Finnish European, 0.00068%; no homozygotes.

Submissions (6):

Labcorp Genetics (formerly Invitae), Labcorp
Classification: Pathogenic. Last evaluated: 2026-01-24. Review status: criteria provided, single submitter. Criteria: Invitae Variant Classification Sherloc (09022015). Collection method: clinical testing. Allele origin: germline.
Comment: This sequence change affects a donor splice site in intron 32 of the ABCC8 gene. It is expected to disrupt RNA splicing. Variants that disrupt the donor or acceptor splice site typically lead to a loss of protein function (PMID: 16199547), and loss-of-function variants in ABCC8 are known to be pathogenic (PMID: 20685672, 23345197). This variant is present in population databases (rs745349258, gnomAD 0.002%). Disruption of this splice site has been observed in individuals with ABCC8-related conditions (PMID: 27188453, 33046911). This variant is also known as c.3991+2T>C. ClinVar contains an entry for this variant (Variation ID: 1457730). Algorithms developed to predict the effect of sequence changes on RNA splicing suggest that this variant may disrupt the consensus splice site. For these reasons, this variant has been classified as Pathogenic.

Natera, Inc.
Classification: Pathogenic for Hereditary hyperinsulinism. Last evaluated: 2025-08-13. Review status: criteria provided, single submitter. Criteria: Natera Variant Classification Schema (03/2026). Collection method: clinical testing. Allele origin: germline.
Comment: The c.3988+2T>C variant in ABCC8 is a canonical splice donor site variant predicted to affect pre-mRNA splicing, which may result in an abnormal transcript and altered protein product. This variant is expected to result in nonsense mediated decay, truncation, or a dysfunctional protein product. This variant is rare in the general population with a frequency below the threshold expected for the associated phenotype(s). This variant has been observed in one or more individuals affected with the associated recessive disease, as either homozygous or compound heterozygous with a second variant (PMID: 27188453). Given the available evidence, this variant is classified as Pathogenic.

Fulgent Genetics
Classification: Likely pathogenic for Type 2 diabetes mellitus; Leucine-induced hypoglycemia; Hyperinsulinemic hypoglycemia, familial, 1; Diabetes mellitus, transient neonatal, 2; Diabetes mellitus, permanent neonatal 3. Last evaluated: 2024-06-10. Review status: criteria provided, single submitter. Criteria: ACMG Guidelines, 2015. Collection method: clinical testing. Allele origin: germline.

Broad Center for Mendelian Genomics, Broad Institute of MIT and Harvard
Classification: Pathogenic for Hyperinsulinemic hypoglycemia, familial, 1. Last evaluated: 2023-08-16. Review status: criteria provided, single submitter. Criteria: ACMG Guidelines, 2015. Collection method: curation. Allele origin: germline. Inheritance: Autosomal recessive inheritance.
Comment: The c.3988+2T>C variant in ABCC8 has been reported in 2 individuals with hyperinsulinemic hypoglycemia (PMID: 27188453), segregated with disease in 2 affected relatives from 2 families, and has been identified in 0.002% (2/113628) of European (non-Finnish) chromosomes by the Genome Aggregation Database (gnomAD; dbSNP ID: rs745349258). Although this variant has been seen in the general population in a heterozygous state, its frequency is low enough to be consistent with a recessive carrier frequency. This variant has also been reported in ClinVar (Variation ID: 1457730) and has been interpreted as pathogenic by Invitae. Of the 4 affected individuals, 1 of those was a homozygote, which increases the likelihood that the c.3988+2T>C variant is pathogenic (PMID: 27188453). This variant is located in the 5' splice region. Computational tools do predict a splicing impact, though this information is not predictive enough to determine pathogenicity. Loss of function of the ABCC8 gene is an established disease mechanism in autosomal recessive hyperinsulinemic hypoglycemia. In summary, this variant meets criteria to be classified as pathogenic for autosomal recessive hyperinsulinemic hypoglycemia. ACMG/AMP Criteria applied: PVS1, PM3_supporting, PM2_supporting, PP1 (Richards 2015).

Baylor Genetics
Classification: Pathogenic for Type 2 diabetes mellitus. Last evaluated: 2023-06-30. Review status: criteria provided, single submitter. Criteria: ACMG Guidelines, 2015. Collection method: clinical testing. Allele origin: unknown.

Blueprint Genetics
Classification: Pathogenic for ABCC8-related disorders. Last evaluated: 2023-01-18. Review status: criteria provided, single submitter. Criteria: ACMG Guidelines, 2015. Collection method: clinical testing. Allele origin: germline. Affected: yes. Observed: 2 variant alleles.

Literature cited by the submitters: PubMed 16199547 (cited by Labcorp Genetics (formerly Invitae), Labcorp); PubMed 20685672 (cited by Labcorp Genetics (formerly Invitae), Labcorp); PubMed 23345197 (cited by Labcorp Genetics (formerly Invitae), Labcorp); PubMed 27188453 (cited by Labcorp Genetics (formerly Invitae), Labcorp and Natera, Inc.); PubMed 33046911 (cited by Labcorp Genetics (formerly Invitae), Labcorp).